The following is an entry in ClinVar:

NM_001792.5(CDH2):c.2150G>T (p.Gly717Val)

Gene: CDH2 (cadherin 2; minus strand). Cytogenetic location: 18q12.1.
Variant type: single nucleotide variant.
Coding change: c.2150G>T on transcript NM_001792.5 (MANE Select); coding-DNA position 2150, G replaced by T.
Protein change: p.Gly717Val; replaces glycine 717 with valine.
Molecular consequence: missense variant.
Genome position (GRCh38, 1-based): chr18:27,985,059, C>A on the plus strand (G>T on the coding strand, the complement: CDH2 is on the minus strand). VCF-style: chr18-27985059-C-A. GRCh37 (hg19) VCF-style: chr18-25565023-C-A.
Other names: c.2057G>T, p.Gly686Val (NM_001308176.2); c.2150G>T (NM_001792.3); short protein forms G717V, G686V.
Identifiers: ClinVar variation 4702356 (VCV004702356.3).

ClinVar aggregate classification (germline): Uncertain significance. Review status: criteria provided, multiple submitters, no conflicts (2 of 4 stars). 3 submissions from 3 submitters: Uncertain significance (3). Last evaluated 2026-07-19.

Conditions:
Inborn genetic diseases. Identifiers: MedGen C0950123, MeSH D030342.

gnomAD v4.1: 50 of 1,614,056 alleles (0.0031%); highest among the groups gnomAD compares: Non-Finnish European, 0.0041%; no homozygotes.

Submissions (3):

Ambry Genetics
Classification: Uncertain significance for Inborn genetic diseases. Last evaluated: 2026-07-19. Review status: criteria provided, single submitter. Criteria: Ambry Variant Classification Scheme 2023. Collection method: clinical testing. Allele origin: germline.
Comment: The p.G717V variant (also known as c.2150G>T), located in coding exon 13 of the CDH2 gene, results from a G to T substitution at nucleotide position 2150. The glycine at codon 717 is replaced by valine, an amino acid with dissimilar properties. This amino acid position is conserved. In addition, this alteration is predicted to be tolerated by in silico analysis. Based on the available evidence, the clinical significance of this variant remains unclear.

Labcorp Genetics (formerly Invitae), Labcorp
Classification: Uncertain significance. Last evaluated: 2025-04-10. Review status: criteria provided, single submitter. Criteria: Invitae Variant Classification Sherloc (09022015). Collection method: clinical testing. Allele origin: germline.
Comment: This sequence change replaces glycine, which is neutral and non-polar, with valine, which is neutral and non-polar, at codon 717 of the CDH2 protein (p.Gly717Val). This variant is present in population databases (rs201543789, gnomAD 0.0009%). This variant has not been reported in the literature in individuals affected with CDH2-related conditions. An algorithm developed to predict the effect of missense changes on protein structure and function (PolyPhen-2) suggests that this variant is likely to be tolerated. In summary, the available evidence is currently insufficient to determine the role of this variant in disease. Therefore, it has been classified as a Variant of Uncertain Significance.

Blueprint Genetics
Classification: Uncertain significance. Last evaluated: 2024-07-01. Review status: criteria provided, single submitter. Criteria: ACMG Guidelines, 2015. Collection method: clinical testing. Allele origin: germline.